The following is an entry in ClinVar:

NM_003737.4(DCHS1):c.5567C>A (p.Pro1856His)

Gene: DCHS1 (dachsous cadherin-related 1; minus strand). Cytogenetic location: 11p15.4.
Variant type: single nucleotide variant.
Coding change: c.5567C>A on transcript NM_003737.4 (MANE Select); coding-DNA position 5567, C replaced by A.
Protein change: p.Pro1856His; replaces proline 1856 with histidine.
Molecular consequence: missense variant.
Genome position (GRCh38, 1-based): chr11:6,627,472, G>T on the plus strand (C>A on the coding strand, the complement: DCHS1 is on the minus strand). VCF-style: chr11-6627472-G-T. GRCh37 (hg19) VCF-style: chr11-6648703-G-T.
Other names: short protein forms P1856H.
Identifiers: ClinVar variation 520667 (VCV000520667.22), dbSNP rs111515657, ClinGen allele CA5860064.

ClinVar aggregate classification (germline): Conflicting classifications of pathogenicity. Review status: criteria provided, conflicting classifications (1 of 4 stars). 6 submissions from 6 submitters: Uncertain significance (1); Benign (1); Likely benign (3). 1 of the submissions does not count toward it. Last evaluated 2026-07-01.

Conditions:
DCHS1-related disorder. Also called: DCHS1-related condition.
Inborn genetic diseases. Identifiers: MedGen C0950123, MeSH D030342.

Allele frequency attached by ClinVar (database versions not stated): ExAC 0.00051; ESP Exome Variant Server 0.00115; 1000 Genomes Project 30x 0.00141; 1000 Genomes Project 0.00160; TOPMed 0.00168; gnomAD 0.00169 and 0.00182.
gnomAD v4.1: 478 of 1,611,316 alleles (0.03%); highest among the groups gnomAD compares: African/African-American, 0.55%; 3 homozygotes.

Submissions (6):

CeGaT Center for Human Genetics Tuebingen
Classification: Likely benign. Last evaluated: 2026-07-01. Review status: criteria provided, single submitter. Criteria: CeGaT Center For Human Genetics Tuebingen Variant Classification Criteria Version 2. Collection method: clinical testing. Allele origin: germline. Affected: yes. Observed: 2 variant alleles.
Comment: DCHS1: BP4

Labcorp Genetics (formerly Invitae), Labcorp
Classification: Likely benign. Last evaluated: 2026-01-20. Review status: criteria provided, single submitter. Criteria: Invitae Variant Classification Sherloc (09022015). Collection method: clinical testing. Allele origin: germline.

GeneDx
Classification: Uncertain significance. Last evaluated: 2022-08-31. Review status: criteria provided, single submitter. Criteria: GeneDx Variant Classification Process June 2021. Collection method: clinical testing. Allele origin: germline. Affected: yes.
Comment: In silico analysis supports that this missense variant has a deleterious effect on protein structure/function; Has not been previously published as pathogenic or benign to our knowledge

Ambry Genetics
Classification: Benign for Inborn genetic diseases. Last evaluated: 2017-07-24. Review status: criteria provided, single submitter. Criteria: Ambry exome assertion method (8-5-2015). Collection method: clinical testing. Allele origin: germline. Affected: yes. Observed: 1 variant allele.

Breakthrough Genomics
Classification: Likely benign. Review status: criteria provided, single submitter. Criteria: ACMG Guidelines, 2015. Collection method: not provided. Allele origin: germline. Inheritance: Autosomal recessive inheritance. Affected: yes.

PreventionGenetics, part of Exact Sciences
Classification: Likely benign for DCHS1-related condition. Last evaluated: 2024-09-24. Review status: no assertion criteria provided. Collection method: clinical testing. Allele origin: germline. Not counted in ClinVar's aggregate classification.
Comment: This variant is classified as likely benign based on ACMG/AMP sequence variant interpretation guidelines (Richards et al. 2015 PMID: 25741868, with internal and published modifications).